The following is an entry in ClinVar:

ClinVar aggregate classification (germline): Uncertain significance (1 of 4 stars; one submission).

Conditions:
Amyotrophic lateral sclerosis type 4 (ALS4). Also called: NEURONOPATHY, DISTAL HEREDITARY MOTOR, WITH PYRAMIDAL FEATURES; AMYOTROPHIC LATERAL SCLEROSIS 4, JUVENILE. Identifiers: Orphanet 357043, MedGen C1865409, MONDO:0011223, OMIM 602433.
Spinocerebellar ataxia, autosomal recessive, with axonal neuropathy 2 (SCAN2). Also called: Ataxia-ocular apraxia-2; ATAXIA-OCULOMOTOR APRAXIA 2; Ataxia with Oculomotor Apraxia; Ataxia with Oculomotor Apraxia Type 2. Identifiers: Orphanet 64753, MedGen C1853761, MONDO:0018996, OMIM 606002.

Submission:

Labcorp Genetics (formerly Invitae), Labcorp
Classification: Uncertain significance for Amyotrophic lateral sclerosis type 4; Spinocerebellar ataxia, autosomal recessive, with axonal neuropathy 2. Last evaluated: 2019-09-13. Review status: criteria provided, single submitter. Criteria: Invitae Variant Classification Sherloc (09022015). Collection method: clinical testing. Allele origin: germline.
Comment: This variant has not been reported in the literature in individuals with SETX-related conditions. In summary, the available evidence is currently insufficient to determine the role of this variant in disease. Therefore, it has been classified as a Variant of Uncertain Significance. Algorithms developed to predict the effect of sequence changes on RNA splicing suggest that this variant may create or strengthen a splice site, but this prediction has not been confirmed by published transcriptional studies. Algorithms developed to predict the effect of missense changes on protein structure and function (SIFT, PolyPhen-2, Align-GVGD) all suggest that this variant is likely to be tolerated, but these predictions have not been confirmed by published functional studies and their clinical significance is uncertain. This variant is not present in population databases (ExAC no frequency). This sequence change replaces histidine with glutamine at codon 2510 of the SETX protein (p.His2510Gln). The histidine residue is weakly conserved and there is a small physicochemical difference between histidine and glutamine.

NM_015046.7(SETX):c.7530C>G (p.His2510Gln)

Gene: SETX (senataxin; minus strand). Cytogenetic location: 9q34.13.
Variant type: single nucleotide variant.
Coding change: c.7530C>G on transcript NM_015046.7 (MANE Select); coding-DNA position 7530, C replaced by G.
Protein change: p.His2510Gln; replaces histidine 2510 with glutamine.
Molecular consequence: missense variant.
Genome position (GRCh38, 1-based): chr9:132,264,743, G>C on the plus strand (C>G on the coding strand, the complement: SETX is on the minus strand). VCF-style: chr9-132264743-G-C. GRCh37 (hg19) VCF-style: chr9-135140130-G-C.
Other names: c.7530C>G, p.His2510Gln (NM_001351527.2); c.7617C>G, p.His2539Gln (NM_001351528.2); short protein forms H2539Q, H2510Q.
Identifiers: ClinVar variation 939856 (VCV000939856.10), dbSNP rs1303389955, ClinGen allele CA375324929.
Genomic context (GRCh38, chr9:132,264,743, plus strand): 5'-AGGTCTTTCAGGGTCCTTTGAAGTAACAGTAAGAGTAATTTCCTTGGAGTCAGAGGGTGT[G>C]TGGTATAGAGAAGCAGCAACAGATGTCTTGGCAAATCCACTGTCTAGCTTGCTGCTGGGC-3'
Protein context (NP_055861.3, residues 2500-2520): AKTSVAASLY[His2510Gln]TPSDSKEITL